The following is an entry in ClinVar:

NM_004859.4(CLTC):c.1256G>A (p.Gly419Asp)

Gene: CLTC (clathrin heavy chain; plus strand). Cytogenetic location: 17q23.1.
Variant type: single nucleotide variant.
Coding change: c.1256G>A on transcript NM_004859.4 (MANE Select); coding-DNA position 1256, G replaced by A.
Protein change: p.Gly419Asp; replaces glycine 419 with aspartic acid.
Molecular consequence: missense variant.
Genome position (GRCh38, 1-based): chr17:59,661,531, G>A. VCF-style: chr17-59661531-G-A. GRCh37 (hg19) VCF-style: chr17-57738892-G-A.
Other names: c.1268G>A, p.Gly423Asp (NM_001288653.2); short protein forms G419D, G423D.
Identifiers: ClinVar variation 2136173 (VCV002136173.2), dbSNP rs2509378697, ClinGen allele CA400424530.

ClinVar aggregate classification (germline): Uncertain significance (1 of 4 stars; one submission).

Submission:

GeneDx
Classification: Uncertain significance. Last evaluated: 2026-09-10. Review status: criteria provided, single submitter. Criteria: GeneDx Variant Classification Process June 2021. Collection method: clinical testing. Allele origin: germline.
Comment: Not observed at significant frequency in large population cohorts (gnomAD); In silico analysis supports that this missense variant has a deleterious effect on protein structure/function; Has not been previously published as pathogenic or benign to our knowledge